The following is an entry in ClinVar:

ClinVar aggregate classification (germline): Uncertain significance (1 of 4 stars; one submission).

Submission:

Labcorp Genetics (formerly Invitae), Labcorp
Classification: Uncertain significance. Last evaluated: 2025-04-07. Review status: criteria provided, single submitter. Criteria: Invitae Variant Classification Sherloc (09022015). Collection method: clinical testing. Allele origin: germline.
Comment: This sequence change replaces proline, which is neutral and non-polar, with serine, which is neutral and polar, at codon 791 of the ARHGEF10 protein (p.Pro791Ser). This variant is not present in population databases (gnomAD no frequency). This variant has not been reported in the literature in individuals affected with ARHGEF10-related conditions. Invitae Evidence Modeling of protein sequence and biophysical properties (such as structural, functional, and spatial information, amino acid conservation, physicochemical variation, residue mobility, and thermodynamic stability) indicates that this missense variant is expected to disrupt ARHGEF10 protein function with a positive predictive value of 80%. In summary, the available evidence is currently insufficient to determine the role of this variant in disease. Therefore, it has been classified as a Variant of Uncertain Significance.

NM_014629.4(ARHGEF10):c.2371C>T (p.Pro791Ser)

Gene: ARHGEF10 (Rho guanine nucleotide exchange factor 10; plus strand). Cytogenetic location: 8p23.3.
Variant type: single nucleotide variant.
Coding change: c.2371C>T on transcript NM_014629.4 (MANE Select); coding-DNA position 2371, C replaced by T.
Protein change: p.Pro791Ser; replaces proline 791 with serine.
Molecular consequence: missense variant.
Genome position (GRCh38, 1-based): chr8:1,923,579, C>T. VCF-style: chr8-1923579-C-T. GRCh37 (hg19) VCF-style: chr8-1871745-C-T.
Other names: c.2257C>T, p.Pro753Ser (NM_001308152.2, NM_001438094.1); c.2371C>T, p.Pro791Ser (NM_001308153.3); c.2374C>T, p.Pro792Ser (NM_001438091.1); c.2254C>T, p.Pro752Ser (NM_001438092.1, NM_001438093.1); short protein forms P815S, P753S, P752S, P791S, P792S.
Identifiers: ClinVar variation 4745265 (VCV004745265.1).